The following is an entry in ClinVar:

NM_145886.4(PIDD1):c.33G>A (p.Glu11=)

Gene: PIDD1 (p53-induced death domain protein 1; minus strand). Cytogenetic location: 11p15.5.
Variant type: single nucleotide variant.
Coding change: c.33G>A on transcript NM_145886.4 (MANE Select); coding-DNA position 33, G replaced by A.
Protein change: p.Glu11=; no amino-acid change (glutamic acid 11 retained).
Molecular consequence: synonymous variant.
Genome position (GRCh38, 1-based): chr11:804,356, C>T on the plus strand (G>A on the coding strand, the complement: PIDD1 is on the minus strand). VCF-style: chr11-804356-C-T. GRCh37 (hg19) VCF-style: chr11-804356-C-T.
Other names: c.33G>A, p.Glu11= (NM_145887.4).
Identifiers: ClinVar variation 3777790 (VCV003777790.7).
Genomic context (GRCh38, chr11:804,356, plus strand): 5'-AGGCAGCGCCCTGGACCCTGCGTCCGAATCCTCTGAAGCATCTCCTGCGGCAGCAGCTGC[C>T]TCCAGCTCTGGCCCCTCCACCGTTGCAGCCATCGCCCACCGACGGTCCTTGGAGGCCAGA-3'
Protein context (NP_665893.2, residues 1-21): MAATVEGPEL[Glu11=]AAAAAGDASE

ClinVar aggregate classification (germline): Likely benign (1 of 4 stars; one submission).

gnomAD v4.1: 1,547 of 1,607,112 alleles (0.096%); highest among the groups gnomAD compares: Non-Finnish European, 0.11%; 4 homozygotes.

Submission:

CeGaT Center for Human Genetics Tuebingen
Classification: Likely benign. Last evaluated: 2026-09-01. Review status: criteria provided, single submitter. Criteria: CeGaT Center For Human Genetics Tuebingen Variant Classification Criteria Version 2. Collection method: clinical testing. Allele origin: germline. Affected: yes. Observed: 4 variant alleles.
Comment: PIDD1: BP4, BP7